The following is an entry in ClinVar:

NM_000038.6(APC):c.423-5_423-4del

Gene: APC (APC regulator of Wnt signaling pathway; plus strand). Cytogenetic location: 5q22.2.
Variant type: Deletion.
Coding change: c.423-5_423-4del on transcript NM_000038.6 (MANE Select); 5 bases into the intron before coding-DNA position 423 through 4 bases into the intron before coding-DNA position 423, 2 bases deleted (AA; older notation c.423-5_423-4delAA).
Molecular consequence: intron variant.
Genome position (GRCh38, 1-based): chr5:112,775,624-112,775,625, AA deleted; deleting any 2 consecutive bases within chr5:112,775,613-112,775,625 gives the same sequence; the c. name uses the placement nearest the transcript's 3' end. VCF-style (leftmost placement, unchanged base first): chr5-112775612-TAA-T. GRCh37 (hg19) VCF-style: chr5-112111309-TAA-T.
Other names: c.423-5_423-4delAA (NM_000038.5); c.423-5_423-4del (NM_001354895.2, NM_001127510.3, NM_001354896.2 and 2 more transcripts); c.453-5_453-4del (NM_001354897.2, NM_001354902.2, NM_001127511.3); c.348-5_348-4del (NM_001354898.2, NM_001354904.2); c.-613-5_-613-4del (NM_001354906.2); c.246-5_246-4del (NM_001354900.2, NM_001354901.2, NM_001354905.2).
Identifiers: ClinVar variation 1692131 (VCV001692131.3), dbSNP rs730881230, ClinGen allele CA3368156.
Genomic context (GRCh38, chr5:112,775,612, plus strand): 5'-ACTGATGTAAGTATTGCTCTTCTGCAGTCTTTATTAGCATTGTTTAAACGTACCTTTTTT[TAA>T]AAAAAAAAAAATAGGTCATTGCTTCTTGCTGATCTTGACAAAGAAGAAAAGGAAAAAGAC-3'

ClinVar aggregate classification (germline): Likely benign. Review status: criteria provided, multiple submitters, no conflicts (2 of 4 stars). 3 submissions from 3 submitters: Likely benign (3). Last evaluated 2024-02-23.

Conditions:
Hereditary cancer-predisposing syndrome. Also called: Hereditary Cancer Syndrome; Hereditary neoplastic syndrome; Neoplastic Syndromes, Hereditary; Tumor predisposition. Identifiers: Orphanet 140162, MedGen C0027672, MeSH D009386, MONDO:0015356.
Familial adenomatous polyposis 1 (FAP1). Also called: FAMILIAL ADENOMATOUS POLYPOSIS 1, ATTENUATED; POLYPOSIS, ADENOMATOUS INTESTINAL. Identifiers: MedGen C2713442, MONDO:0021056, OMIM 175100. Disease mechanism: loss of function.

Submissions (3):

Myriad Genetics, Inc.
Classification: Likely benign for Familial adenomatous polyposis 1. Last evaluated: 2024-02-23. Review status: criteria provided, single submitter. Criteria: Myriad Autosomal Dominant, Autosomal Recessive and X-Linked Classification Criteria (2023). Collection method: clinical testing. Allele origin: unknown.
Comment: This variant is considered likely benign. This variant is intronic and is not expected to impact mRNA splicing.

Ambry Genetics
Classification: Likely benign for Hereditary cancer-predisposing syndrome. Last evaluated: 2022-12-27. Review status: criteria provided, single submitter. Criteria: Ambry Variant Classification Scheme 2023. Collection method: clinical testing. Allele origin: germline.

Sema4
Classification: Likely benign for Hereditary cancer-predisposing syndrome. Last evaluated: 2021-02-08. Review status: criteria provided, single submitter. Criteria: Sema4 Curation Guidelines. Collection method: curation. Allele origin: germline.